The following is an entry in ClinVar:

NM_017654.4(SAMD9):c.2506A>T (p.Met836Leu)

Gene: SAMD9 (sterile alpha motif domain containing 9; minus strand). Cytogenetic location: 7q21.2.
Variant type: single nucleotide variant.
Coding change: c.2506A>T on transcript NM_017654.4 (MANE Select); coding-DNA position 2506, A replaced by T.
Protein change: p.Met836Leu; replaces methionine 836 with leucine.
Molecular consequence: missense variant.
Genome position (GRCh38, 1-based): chr7:93,103,592, T>A on the plus strand (A>T on the coding strand, the complement: SAMD9 is on the minus strand). VCF-style: chr7-93103592-T-A. GRCh37 (hg19) VCF-style: chr7-92732905-T-A.
Other names: c.2506A>T, p.Met836Leu (NM_001193307.2); short protein forms M836L.
Identifiers: ClinVar variation 3437044 (VCV003437044.1).

ClinVar aggregate classification (germline): Uncertain significance (1 of 4 stars; one submission).

Conditions:
Inborn genetic diseases. Identifiers: MedGen C0950123, MeSH D030342.

gnomAD v4.1: 1 of 1,613,500 alleles (0.000062%); highest among the groups gnomAD compares: Non-Finnish European, 0.000085%; no homozygotes.

Submission:

Ambry Genetics
Classification: Uncertain significance for Inborn genetic diseases. Last evaluated: 2024-11-25. Review status: criteria provided, single submitter. Criteria: Ambry Variant Classification Scheme 2023. Collection method: clinical testing. Allele origin: germline.
Comment: The p.M836L variant (also known as c.2506A>T), located in coding exon 1 of the SAMD9 gene, results from an A to T substitution at nucleotide position 2506. The methionine at codon 836 is replaced by leucine, an amino acid with highly similar properties. This amino acid position is conserved. In addition, this alteration is predicted to be tolerated by in silico analysis. Based on the available evidence, the clinical significance of this variant remains unclear.